The following is an entry in ClinVar:

ClinVar aggregate classification (germline): Uncertain significance (1 of 4 stars; one submission).

Conditions:
Neuroblastoma, susceptibility to, 3. Also called: ALK-Related Neuroblastic Tumor Susceptibility. Identifiers: Orphanet 635, MedGen C2751681, MONDO:0013083, OMIM 613014.

Submission:

Labcorp Genetics (formerly Invitae), Labcorp
Classification: Uncertain significance for Neuroblastoma, susceptibility to, 3. Last evaluated: 2023-08-27. Review status: criteria provided, single submitter. Criteria: Invitae Variant Classification Sherloc (09022015). Collection method: clinical testing. Allele origin: unknown.
Comment: In summary, the available evidence is currently insufficient to determine the role of this variant in disease. Therefore, it has been classified as a Variant of Uncertain Significance. Experimental studies and prediction algorithms are not available or were not evaluated, and the functional significance of this variant is currently unknown. This variant has not been reported in the literature in individuals affected with ALK-related conditions. This variant is a gross deletion of the genomic region encompassing exon(s) 12 of the ALK gene. This deletion is out-of-frame, and is expected to create a premature translational stop signal and result in an absent or disrupted protein product. However, the current clinical and genetic evidence is not sufficient to establish whether loss-of-function variants in ALK cause disease.

NC_000002.11:g.(?_29473961)_(29474143_?)del

Gene: ALK (ALK receptor tyrosine kinase; minus strand). Cytogenetic location: 2p23.2.
Variant type: Deletion.
Identifiers: ClinVar variation 3247350 (VCV003247350.1).